The following is an entry in ClinVar:

ClinVar aggregate classification (germline): Uncertain significance (1 of 4 stars; one submission).

Submission:

Ambry Genetics
Classification: Uncertain significance. Last evaluated: 2025-07-16. Review status: criteria provided, single submitter. Criteria: Ambry Variant Classification Scheme 2023. Collection method: clinical testing. Allele origin: germline.
Comment: The p.F381L variant (also known as c.1141T>C), located in coding exon 1 of the TET2 gene, results from a T to C substitution at nucleotide position 1141. The phenylalanine at codon 381 is replaced by leucine, an amino acid with highly similar properties. This amino acid position is conserved. In addition, this alteration is predicted to be tolerated by in silico analysis. Based on the available evidence, the clinical significance of this variant remains unclear.

NM_001127208.3(TET2):c.1141T>C (p.Phe381Leu)

Genes: TET2 (tet methylcytosine dioxygenase 2; plus strand), TET2-AS1 (TET2 antisense RNA 1; minus strand). Cytogenetic location: 4q24.
Variant type: single nucleotide variant.
Coding change: c.1141T>C on transcript NM_001127208.3 (MANE Select); coding-DNA position 1141, T replaced by C.
Protein change: p.Phe381Leu; replaces phenylalanine 381 with leucine.
Molecular consequence: missense variant.
Genome position (GRCh38, 1-based): chr4:105,235,083, T>C. VCF-style: chr4-105235083-T-C. GRCh37 (hg19) VCF-style: chr4-106156240-T-C.
Other names: c.1141T>C, p.Phe381Leu (NM_017628.4); short protein forms F381L.
Identifiers: ClinVar variation 4182969 (VCV004182969.1).